The following is an entry in ClinVar:

ClinVar aggregate classification (germline): Likely pathogenic (1 of 4 stars; one submission).

Submission:

GeneDx
Classification: Likely pathogenic. Last evaluated: 2023-09-15. Review status: criteria provided, single submitter. Criteria: GeneDx Variant Classification Process June 2021. Collection method: clinical testing. Allele origin: germline. Affected: yes.
Comment: Frameshift variant predicted to result in protein truncation, as the last 904 amino acids are replaced with 16 different amino acids, and other loss-of-function variants have been reported downstream of this position in the Human Gene Mutation Database and at GeneDx; Not observed at significant frequency in large population cohorts (gnomAD); Has not been previously published as pathogenic or benign to our knowledge

NM_019066.5(MAGEL2):c.1036del (p.Arg346fs)

Gene: MAGEL2 (MAGE family member L2; minus strand). Cytogenetic location: 15q11.2.
Variant type: Deletion.
Coding change: c.1036del on transcript NM_019066.5 (MANE Select); coding-DNA position 1036, one base deleted (A; older notation c.1036delA).
Protein change: p.Arg346fs; shifts the reading frame from arginine 346.
Molecular consequence: frameshift variant.
Genome position (GRCh38, 1-based): chr15:23,646,707, T deleted on the plus strand (A on the coding strand, the reverse complement: MAGEL2 is on the minus strand); the first of 2 consecutive T bases (chr15:23,646,707-23,646,708); deleting either gives the same sequence. VCF-style (leftmost placement, unchanged base first): chr15-23646706-CT-C. GRCh37 (hg19) VCF-style: chr15-23891853-CT-C.
Other names: short protein forms R346fs.
Identifiers: ClinVar variation 1697121 (VCV001697121.4), dbSNP rs2140717155, ClinGen allele CA2580089118.
Genomic context (GRCh38, chr15:23,646,706, plus strand): 5'-GGGGGTGTGGCTAGCTGCGCTGGGGGTGCCTGCGGGCCCTGGGGAACCTGCGGAGGAGCC[CT>C]TATAACTTGAGACTGGATTTGCAGGATCAGAGGCTGAGCCTGCGGGGCCCAAGAAGCCAT-3'